The following is an entry in ClinVar:

ClinVar aggregate classification (germline): Likely pathogenic (1 of 4 stars; one submission).

Submission:

Labcorp Genetics (formerly Invitae), Labcorp
Classification: Likely pathogenic. Last evaluated: 2024-05-12. Review status: criteria provided, single submitter. Criteria: Invitae Variant Classification Sherloc (09022015). Collection method: clinical testing. Allele origin: germline.
Comment: This sequence change affects a splice site in intron 2 of the C10orf11 gene. It is expected to disrupt RNA splicing. Variants that disrupt the donor or acceptor splice site typically lead to a loss of protein function (PMID: 16199547), and loss-of-function variants in C10orf11 are known to be pathogenic (PMID: 23395477, 29345414). This variant is present in population databases (no rsID available, gnomAD 0.004%). This variant has not been reported in the literature in individuals affected with C10orf11-related conditions. In summary, the currently available evidence indicates that the variant is pathogenic, but additional data are needed to prove that conclusively. Therefore, this variant has been classified as Likely Pathogenic.

Literature cited by the submitters: PubMed 16199547; PubMed 23395477; PubMed 29345414.

NM_001305581.2(LRMDA):c.259-2del

Gene: LRMDA (leucine rich melanocyte differentiation associated; plus strand). Cytogenetic location: 10q22.3.
Variant type: Deletion.
Coding change: c.259-2del on transcript NM_001305581.2 (MANE Select); the canonical splice acceptor site of the intron before coding-DNA position 259, one base deleted (A; older notation c.259-2delA).
Molecular consequence: splice acceptor variant.
Genome position (GRCh38, 1-based): chr10:76,047,162, A deleted. VCF-style (leftmost placement, unchanged base first): chr10-76047161-CA-C. GRCh37 (hg19) VCF-style: chr10-77806919-CA-C.
Other names: c.175-2del (NM_032024.5).
Identifiers: ClinVar variation 3713869 (VCV003713869.2).